The following is an entry in ClinVar:

NM_001367624.2(ZNF469):c.337G>A (p.Glu113Lys)

Gene: ZNF469 (zinc finger protein 469; plus strand). Cytogenetic location: 16q24.2.
Variant type: single nucleotide variant.
Coding change: c.337G>A on transcript NM_001367624.2 (MANE Select); coding-DNA position 337, G replaced by A.
Protein change: p.Glu113Lys; replaces glutamic acid 113 with lysine.
Molecular consequence: missense variant.
Genome position (GRCh38, 1-based): chr16:88,427,807, G>A. VCF-style: chr16-88427807-G-A. GRCh37 (hg19) VCF-style: chr16-88494215-G-A.
Other names: short protein forms E113K.
Identifiers: ClinVar variation 126942 (VCV000126942.2), dbSNP rs281865144, ClinGen allele CA151323.
Genomic context (GRCh38, chr16:88,427,807, plus strand): 5'-CCCCAGACCCCACCGGGGAGAAGCCCCTTGCAGGCTCCCTCAAGGCTGGCGGGCAGGGCA[G>A]AGGGCAGCCCCCCACAGCGCTACATTCTGGGCATCGCCAGCTCGAGGACCAAGCCCACCC-3'
Protein context (NP_001354553.1, residues 103-123): QAPSRLAGRA[Glu113Lys]GSPPQRYILG

ClinVar aggregate classification (germline): Pathogenic (0 of 4 stars; one submission).

Conditions:
Keratoconus 1 (KTCN1). Identifiers: MedGen C1835677, MONDO:0007851, OMIM 148300.

Allele frequency attached by ClinVar (database versions not stated): gnomAD exomes 0.00001.

Submission:

Willoughby Group, Queen's University Belfast
Classification: Pathogenic for Keratoconus 1. Review status: no assertion criteria provided. Collection method: not provided. Allele origin: germline.
ClinVar note: Converted during submission from pathogenic to Pathogenic.